The following is an entry in ClinVar:

NM_000038.6(APC):c.334C>A (p.Pro112Thr)

Gene: APC (APC regulator of Wnt signaling pathway; plus strand). Cytogenetic location: 5q22.2.
Variant type: single nucleotide variant.
Coding change: c.334C>A on transcript NM_000038.6 (MANE Select); coding-DNA position 334, C replaced by A.
Protein change: p.Pro112Thr; replaces proline 112 with threonine.
Molecular consequence: missense variant. On other transcripts: 5 prime UTR variant (1).
Genome position (GRCh38, 1-based): chr5:112,767,302, C>A. VCF-style: chr5-112767302-C-A. GRCh37 (hg19) VCF-style: chr5-112102999-C-A.
Other names: c.334C>A, p.Pro112Thr (NM_001127510.3, NM_001354895.2, NM_001354896.2 and 2 more transcripts); c.364C>A, p.Pro122Thr (NM_001127511.3, NM_001354897.2, NM_001354902.2); c.259C>A, p.Pro87Thr (NM_001354898.2, NM_001354904.2); c.157C>A, p.Pro53Thr (NM_001354900.2, NM_001354901.2, NM_001354905.2); c.-702C>A (NM_001354906.2); short protein forms P122T, P112T, P87T, P53T.
Identifiers: ClinVar variation 656637 (VCV000656637.17), dbSNP rs1392982680, ClinGen allele CA16022051.
Genomic context (GRCh38, chr5:112,767,302, plus strand): 5'-TCCCTCCGTTCTTATGGAAGCCGGGAAGGATCTGTATCAAGCCGTTCTGGAGAGTGCAGT[C>A]CTGTTCCTATGGGTTCATTTCCAAGAAGAGGGTTTGTAAATGGAAGCAGAGAAAGTACTG-3'
Protein context (NP_000029.2, residues 102-122): SVSSRSGECS[Pro112Thr]VPMGSFPRRG

ClinVar aggregate classification (germline): Uncertain significance. Review status: criteria provided, multiple submitters, no conflicts (2 of 4 stars). 3 submissions from 3 submitters: Uncertain significance (3). Last evaluated 2024-03-07.

Conditions:
Hereditary cancer-predisposing syndrome. Also called: Hereditary neoplastic syndrome; Tumor predisposition; Neoplastic Syndromes, Hereditary; Hereditary Cancer Syndrome. Identifiers: Orphanet 140162, MedGen C0027672, MeSH D009386, MONDO:0015356.
Familial adenomatous polyposis 1 (FAP1). Also called: FAMILIAL ADENOMATOUS POLYPOSIS 1, ATTENUATED; POLYPOSIS, ADENOMATOUS INTESTINAL. Identifiers: MedGen C2713442, MONDO:0021056, OMIM 175100. Disease mechanism: loss of function.

Submissions (3):

Color Diagnostics, LLC DBA Color Health
Classification: Uncertain significance for Hereditary cancer-predisposing syndrome. Last evaluated: 2024-03-07. Review status: criteria provided, single submitter. Criteria: ACMG Guidelines, 2015. Collection method: clinical testing. Allele origin: germline.
Comment: This missense variant replaces proline with threonine at codon 112 of the APC protein. Computational prediction is inconclusive regarding the impact of this variant on protein structure and function (internally defined REVEL score threshold 0.5 < inconclusive < 0.7, PMID: 27666373). To our knowledge, functional studies have not been reported for this variant. This variant has not been reported in individuals affected with APC-related disorders in the literature. This variant has not been identified in the general population by the Genome Aggregation Database (gnomAD). The available evidence is insufficient to determine the role of this variant in disease conclusively. Therefore, this variant is classified as a Variant of Uncertain Significance.

Ambry Genetics
Classification: Uncertain significance for Hereditary cancer-predisposing syndrome. Last evaluated: 2020-11-02. Review status: criteria provided, single submitter. Criteria: Ambry Variant Classification Scheme 2023. Collection method: clinical testing. Allele origin: germline.
Comment: The p.P112T variant (also known as c.334C>A), located in coding exon 3 of the APC gene, results from a C to A substitution at nucleotide position 334. The proline at codon 112 is replaced by threonine, an amino acid with highly similar properties. This amino acid position is highly conserved in available vertebrate species. In addition, in silico predictors for this gene do not accurately predict pathogenicity. Since supporting evidence is limited at this time, the clinical significance of this alteration remains unclear.

Labcorp Genetics (formerly Invitae), Labcorp
Classification: Uncertain significance for Familial adenomatous polyposis 1. Last evaluated: 2019-06-06. Review status: criteria provided, single submitter. Criteria: Invitae Variant Classification Sherloc (09022015). Collection method: clinical testing. Allele origin: germline.
Comment: This sequence change replaces proline with threonine at codon 112 of the APC protein (p.Pro112Thr). The proline residue is highly conserved and there is a small physicochemical difference between proline and threonine. This variant is not present in population databases (ExAC no frequency). This variant has not been reported in the literature in individuals with APC-related disease. Algorithms developed to predict the effect of missense changes on protein structure and function are either unavailable or do not agree on the potential impact of this missense change (SIFT: "Tolerated"; PolyPhen-2: "Possibly Damaging"; Align-GVGD: "Class C0"). In summary, the available evidence is currently insufficient to determine the role of this variant in disease. Therefore, it has been classified as a Variant of Uncertain Significance.